The following is an entry in ClinVar:

ClinVar aggregate classification (germline): Uncertain significance (1 of 4 stars; one submission).

Conditions:
Ehlers-Danlos syndrome, type 4 (EDSVASC). Also called: Ehlers-Danlos Syndrome Type IV; Ehlers-Danlos syndrome vascular type; Ehlers Danlos syndrome, ecchymotic type; Ehlers Danlos syndrome, arterial type; Ehlers Danlos syndrome, Sack-Barabas type. Identifiers: Orphanet 286, MedGen C0268338, MONDO:0017314, OMIM 130050.

Submission:

All of Us Research Program, National Institutes of Health
Classification: Uncertain significance for Ehlers-Danlos syndrome, type 4. Last evaluated: 2023-03-09. Review status: criteria provided, single submitter. Criteria: ACMG Guidelines, 2015. Collection method: clinical testing. Allele origin: germline. Inheritance: Autosomal dominant inheritance. Observed: 1 variant allele, 1 heterozygote.
Comment: This missense variant replaces proline with serine at codon 111 of the COL3A1 protein. Computational prediction suggests that this variant may not impact protein structure and function (internally defined REVEL score threshold <= 0.5, PMID: 27666373). To our knowledge, functional studies have not been reported for this variant. This variant has not been reported in individuals affected with COL3A1-related disorders in the literature. This variant has not been identified in the general population by the Genome Aggregation Database (gnomAD). The available evidence is insufficient to determine the role of this variant in disease conclusively. Therefore, this variant is classified as a Variant of Uncertain Significance.

This study involves interpretation of variants in research participants for the purpose of population health screening. Participant phenotype was not available at the time of variant classification. Additional details can be found in publication PMID: 35346344, PMCID: PMC8962531

NM_000090.4(COL3A1):c.331C>T (p.Pro111Ser)

Gene: COL3A1 (collagen type III alpha 1 chain; plus strand). Cytogenetic location: 2q32.2.
Variant type: single nucleotide variant.
Coding change: c.331C>T on transcript NM_000090.4 (MANE Select); coding-DNA position 331, C replaced by T.
Protein change: p.Pro111Ser; replaces proline 111 with serine.
Molecular consequence: missense variant.
Genome position (GRCh38, 1-based): chr2:188,985,245, C>T. VCF-style: chr2-188985245-C-T. GRCh37 (hg19) VCF-style: chr2-189849971-C-T.
Other names: short protein forms P111S.
Identifiers: ClinVar variation 3069795 (VCV003069795.1), dbSNP rs2469107231, ClinGen allele CA349847647.